The following is an entry in ClinVar:

NM_003070.5(SMARCA2):c.3391del (p.Leu1131fs)

Gene: SMARCA2 (SWI/SNF related BAF chromatin remodeling complex subunit ATPase 2; plus strand). Cytogenetic location: 9p24.3.
Variant type: Deletion.
Coding change: c.3391del on transcript NM_003070.5 (MANE Select); coding-DNA position 3391, one base deleted (C; older notation c.3391delC).
Protein change: p.Leu1131fs; shifts the reading frame from leucine 1131.
Molecular consequence: frameshift variant.
Genome position (GRCh38, 1-based): chr9:2,110,352, C deleted; the last of 2 consecutive C bases (chr9:2,110,351-2,110,352); deleting either gives the same sequence. VCF-style (leftmost placement, unchanged base first): chr9-2110350-GC-G. GRCh37 (hg19) VCF-style: chr9-2110350-GC-G.
Other names: c.3391delC, p.Leu1131Trpfs (NM_001289396.2); c.3217del, p.Leu1073fs (NM_001289397.2); c.3391del, p.Leu1131fs (NM_139045.4); short protein forms L1073fs, L1131fs.
Identifiers: ClinVar variation 2442618 (VCV002442618.2), dbSNP rs2537391964, ClinGen allele CA2580080197.

ClinVar aggregate classification (germline): Uncertain significance (1 of 4 stars; one submission).

Submission:

GeneDx
Classification: Uncertain significance. Last evaluated: 2024-03-25. Review status: criteria provided, single submitter. Criteria: GeneDx Variant Classification Process June 2021. Collection method: clinical testing. Allele origin: germline. Affected: yes.
Comment: Not observed at significant frequency in large population cohorts (gnomAD); Frameshift variant predicted to result in protein truncation or nonsense mediated decay in a gene or region of a gene for which loss of function is not a well-established mechanism of disease; Has not been previously published as pathogenic or benign to our knowledge